The following is an entry in ClinVar:

ClinVar aggregate classification (germline): Benign. Review status: criteria provided, multiple submitters, no conflicts (2 of 4 stars). 2 submissions from 2 submitters: Benign (2). Last evaluated 2018-11-11.

Allele frequency attached by ClinVar (database versions not stated): gnomAD exomes 0.62723; gnomAD 0.63063 and 0.63475; TOPMed 0.63738; 1000 Genomes Project 30x 0.68161; 1000 Genomes Project 0.68590.

Submissions (2):

GeneDx
Classification: Benign. Last evaluated: 2018-11-11. Review status: criteria provided, single submitter. Criteria: GeneDx Variant Classification Process June 2021. Collection method: clinical testing. Allele origin: germline. Affected: yes.
Comment: This variant is associated with the following publications: (PMID: 22282540, 19730683, 26202972, 31395865)

Breakthrough Genomics
Classification: Benign. Review status: criteria provided, single submitter. Criteria: ACMG Guidelines, 2015. Collection method: not provided. Allele origin: germline. Inheritance: Autosomal recessive inheritance. Affected: yes.

NM_004473.4(FOXE1):c.-283A>G

Gene: FOXE1 (forkhead box E1; plus strand). Cytogenetic location: 9q22.33.
Variant type: single nucleotide variant.
Coding change: c.-283A>G on transcript NM_004473.4 (MANE Select); 283 bases upstream of the start codon, A replaced by G.
Molecular consequence: 5 prime UTR variant.
Genome position (GRCh38, 1-based): chr9:97,853,632, A>G. VCF-style: chr9-97853632-A-G. GRCh37 (hg19) VCF-style: chr9-100615914-A-G.
Identifiers: ClinVar variation 1297302 (VCV001297302.3), dbSNP rs1867277, ClinGen allele CA12994268.